The following is an entry in ClinVar:

NM_017999.5(RNF31):c.1860C>A (p.Phe620Leu)

Gene: RNF31 (ring finger protein 31; plus strand). Cytogenetic location: 14q12.
Variant type: single nucleotide variant.
Coding change: c.1860C>A on transcript NM_017999.5 (MANE Select); coding-DNA position 1860, C replaced by A.
Protein change: p.Phe620Leu; replaces phenylalanine 620 with leucine.
Molecular consequence: missense variant.
Genome position (GRCh38, 1-based): chr14:24,151,607, C>A. VCF-style: chr14-24151607-C-A. GRCh37 (hg19) VCF-style: chr14-24620816-C-A.
Other names: c.1407C>A, p.Phe469Leu (NM_001310332.2); short protein forms F620L, F469L.
Identifiers: ClinVar variation 2182279 (VCV002182279.4), dbSNP rs749305997, ClinGen allele CA7125901.

ClinVar aggregate classification (germline): Uncertain significance (1 of 4 stars; one submission).

Allele frequency attached by ClinVar (database versions not stated): gnomAD 0.00001; TOPMed 0.00001; gnomAD exomes 0.00005; ExAC 0.00007.

Submission:

Labcorp Genetics (formerly Invitae), Labcorp
Classification: Uncertain significance. Last evaluated: 2023-12-02. Review status: criteria provided, single submitter. Criteria: Invitae Variant Classification Sherloc (09022015). Collection method: clinical testing. Allele origin: germline.
Comment: This sequence change replaces phenylalanine, which is neutral and non-polar, with leucine, which is neutral and non-polar, at codon 620 of the RNF31 protein (p.Phe620Leu). This variant is present in population databases (rs749305997, gnomAD 0.05%). This variant has not been reported in the literature in individuals affected with RNF31-related conditions. ClinVar contains an entry for this variant (Variation ID: 2182279). An algorithm developed to predict the effect of missense changes on protein structure and function (PolyPhen-2) suggests that this variant is likely to be tolerated. In summary, the available evidence is currently insufficient to determine the role of this variant in disease. Therefore, it has been classified as a Variant of Uncertain Significance.